The following is an entry in ClinVar:

NM_001283009.2(RTEL1):c.1722+10_1722+11delinsTT

Genes: RTEL1 (regulator of telomere elongation helicase 1; plus strand), RTEL1-TNFRSF6B (RTEL1-TNFRSF6B readthrough (NMD candidate); plus strand). Cytogenetic location: 20q13.33.
Variant type: Indel.
Coding change: c.1722+10_1722+11delinsTT on transcript NM_001283009.2 (MANE Select); bases 10 to 11 of the intron after coding-DNA position 1722, CC replaced by TT.
Molecular consequence: intron variant.
Genome position (GRCh38, 1-based): chr20:63,688,396-63,688,397, CC replaced by TT. VCF-style: chr20-63688396-CC-TT. GRCh37 (hg19) VCF-style: chr20-62319749-CC-TT.
Other names: c.1053+10_1053+11delinsTT (NM_001283010.1); c.1794+10_1794+11delinsTT (NM_032957.5); c.1722+10_1722+11delinsTT (NM_016434.4).
Identifiers: ClinVar variation 2171263 (VCV002171263.1), dbSNP rs2517120210, ClinGen allele CA2580098465.

ClinVar aggregate classification (germline): Uncertain significance (1 of 4 stars; one submission).

Conditions:
Dyskeratosis congenita, autosomal recessive 5 (DKCB5). Identifiers: MedGen C3554656, MONDO:0014076, OMIM 615190.
Pulmonary fibrosis and/or bone marrow failure, Telomere-related, 3. Also called: PULMONARY FIBROSIS AND/OR BONE MARROW FAILURE SYNDROME, TELOMERE-RELATED, 3. Identifiers: Orphanet 2032, MedGen C4225346, MONDO:0014613, OMIM 616373.

Submission:

Labcorp Genetics (formerly Invitae), Labcorp
Classification: Uncertain significance for Dyskeratosis congenita, autosomal recessive 5; Pulmonary fibrosis and/or bone marrow failure, Telomere-related, 3. Last evaluated: 2022-10-14. Review status: criteria provided, single submitter. Criteria: Invitae Variant Classification Sherloc (09022015). Collection method: clinical testing. Allele origin: germline.
Comment: This sequence change falls in intron 20 of the RTEL1 gene. It does not directly change the encoded amino acid sequence of the RTEL1 protein. Information on the frequency of this variant in the gnomAD database is not available, as this variant may be reported differently in the database. This variant has not been reported in the literature in individuals affected with RTEL1-related conditions. Experimental studies and prediction algorithms are not available or were not evaluated, and the effect of this variant on mRNA splicing is currently unknown. In summary, the available evidence is currently insufficient to determine the role of this variant in disease. Therefore, it has been classified as a Variant of Uncertain Significance.